The following is an entry in ClinVar:

ClinVar aggregate classification (germline): Uncertain significance (1 of 4 stars; one submission).

Submission:

GeneDx
Classification: Uncertain significance. Last evaluated: 2023-05-02. Review status: criteria provided, single submitter. Criteria: GeneDx Variant Classification Process June 2021. Collection method: clinical testing. Allele origin: germline. Affected: yes.
Comment: Not observed at significant frequency in large population cohorts (gnomAD); In silico analysis supports that this missense variant has a deleterious effect on protein structure/function; Has not been previously published as pathogenic or benign to our knowledge

NM_004970.3(IGFALS):c.775C>A (p.Pro259Thr)

Gene: IGFALS (insulin like growth factor binding protein acid labile subunit; minus strand). Cytogenetic location: 16p13.3.
Variant type: single nucleotide variant.
Coding change: c.775C>A on transcript NM_004970.3 (MANE Select); coding-DNA position 775, C replaced by A.
Protein change: p.Pro259Thr; replaces proline 259 with threonine.
Molecular consequence: missense variant. On other transcripts: non-coding transcript variant (1).
Genome position (GRCh38, 1-based): chr16:1,791,643, G>T on the plus strand (C>A on the coding strand, the complement: IGFALS is on the minus strand). VCF-style: chr16-1791643-G-T. GRCh37 (hg19) VCF-style: chr16-1841644-G-T.
Other names: c.889C>A, p.Pro297Thr (NM_001146006.2); short protein forms P259T, P297T.
Identifiers: ClinVar variation 2663653 (VCV002663653.1), dbSNP rs2548156584, ClinGen allele CA394266744.